The following is an entry in ClinVar:

ClinVar aggregate classification (germline): Likely benign. Review status: criteria provided, multiple submitters, no conflicts (2 of 4 stars). 3 submissions from 3 submitters: Likely benign (2). 1 of the submissions does not count toward it. Last evaluated 2018-05-14.

Conditions:
SRGAP3-related disorder. Also called: SRGAP3-related condition.

Allele frequency attached by ClinVar (database versions not stated): ESP Exome Variant Server 0.00008; 1000 Genomes Project 30x 0.00016; gnomAD 0.00018 and 0.00021; 1000 Genomes Project 0.00020; gnomAD exomes 0.00020 and 0.00021; ExAC 0.00021; TOPMed 0.00027.
gnomAD v4.1: 359 of 1,614,246 alleles (0.022%); highest among the groups gnomAD compares: Middle Eastern, 0.36%; no homozygotes.

Submissions (3):

Labcorp Genetics (formerly Invitae), Labcorp
Classification: Likely benign. Last evaluated: 2018-05-14. Review status: criteria provided, single submitter. Criteria: Invitae Variant Classification Sherloc (09022015). Collection method: clinical testing. Allele origin: germline.

Breakthrough Genomics
Classification: Likely benign. Review status: criteria provided, single submitter. Criteria: ACMG Guidelines, 2015. Collection method: not provided. Allele origin: germline. Inheritance: Unknown mechanism. Affected: yes.

PreventionGenetics, part of Exact Sciences
Classification: Likely benign for SRGAP3-related condition. Last evaluated: 2019-06-19. Review status: no assertion criteria provided. Collection method: clinical testing. Allele origin: germline. Not counted in ClinVar's aggregate classification.
Comment: This variant is classified as likely benign based on ACMG/AMP sequence variant interpretation guidelines (Richards et al. 2015 PMID: 25741868, with internal and published modifications).

NM_014850.4(SRGAP3):c.606G>A (p.Leu202=)

Gene: SRGAP3 (SLIT-ROBO Rho GTPase activating protein 3; minus strand). Cytogenetic location: 3p25.3.
Variant type: single nucleotide variant.
Coding change: c.606G>A on transcript NM_014850.4 (MANE Select); coding-DNA position 606, G replaced by A.
Protein change: p.Leu202=; no amino-acid change (leucine 202 retained).
Molecular consequence: synonymous variant.
Genome position (GRCh38, 1-based): chr3:9,064,462, C>T on the plus strand (G>A on the coding strand, the complement: SRGAP3 is on the minus strand). VCF-style: chr3-9064462-C-T. GRCh37 (hg19) VCF-style: chr3-9106146-C-T.
Other names: c.606G>A, p.Leu202= (NM_001033117.3).
Identifiers: ClinVar variation 724506 (VCV000724506.6), dbSNP rs201104166, ClinGen allele CA2238123.
Genomic context (GRCh38, chr3:9,064,462, plus strand): 5'-CTTCATCTTCTCAATCTTCTTCACAGAGCTGCGGCGCTGGGGCCGGTCCTCGTGCCGGAG[C>T]AGGTTCATGCTGAGGTCTCCTGACTTATTGAACTGCTTCTCCTCCTGCTTCTCAGCCTCC-3'
Protein context (NP_055665.1, residues 192-212): FNKSGDLSMN[Leu202=]LRHEDRPQRR